The following is an entry in ClinVar:

ClinVar aggregate classification (germline): Uncertain significance. Review status: criteria provided, multiple submitters, no conflicts (2 of 4 stars). 2 submissions from 2 submitters: Uncertain significance (2). Last evaluated 2023-06-08.

Conditions:
Malignant hyperthermia, susceptibility to, 1 (MHS1). Also called: RYR1-Related Malignant Hyperthermia Susceptibility; Anesthesia related hyperthermia; Malignant hyperpyrexia; Fulminating hyperpyrexia; Pharmacogenic myopathy; Malignant hyperthermia suceptibility 1. Identifiers: Orphanet 423, MedGen C2930980, MONDO:0007783, OMIM 145600.
RYR1-related disorder. Also called: RYR1-related disorders; RYR1-related condition. Identifiers: MedGen CN239331.

Submissions (2):

All of Us Research Program, National Institutes of Health
Classification: Uncertain significance for Malignant hyperthermia, susceptibility to, 1. Last evaluated: 2023-06-08. Review status: criteria provided, single submitter. Criteria: ACMG Guidelines, 2015. Collection method: clinical testing. Allele origin: germline. Inheritance: Autosomal dominant inheritance. Observed: 1 variant allele, 1 heterozygote.
Comment: This variant is located in the RYR1 protein. To our knowledge, functional studies have not been reported for this variant. This variant has not been reported in individuals affected with RYR1-related disorders in the literature. This variant has not been identified in the general population by the Genome Aggregation Database (gnomAD). The available evidence is insufficient to determine the role of this variant in disease conclusively. Therefore, this variant is classified as a Variant of Uncertain Significance.

This study involves interpretation of variants in research participants for the purpose of population health screening. Participant phenotype was not available at the time of variant classification. Additional details can be found in publication PMID: 35346344, PMCID: PMC8962531

Labcorp Genetics (formerly Invitae), Labcorp
Classification: Uncertain significance for RYR1-related disorder. Last evaluated: 2021-08-27. Review status: criteria provided, single submitter. Criteria: Invitae Variant Classification Sherloc (09022015). Collection method: clinical testing. Allele origin: germline.

NM_000540.3(RYR1):c.7713C>T (p.Gly2571=)

Gene: RYR1 (ryanodine receptor 1; plus strand). Cytogenetic location: 19q13.2.
Variant type: single nucleotide variant.
Coding change: c.7713C>T on transcript NM_000540.3 (MANE Select); coding-DNA position 7713, C replaced by T.
Protein change: p.Gly2571=; no amino-acid change (glycine 2571 retained).
Molecular consequence: synonymous variant.
Genome position (GRCh38, 1-based): chr19:38,502,605, C>T. VCF-style: chr19-38502605-C-T. GRCh37 (hg19) VCF-style: chr19-38993245-C-T.
Other names: c.7713C>T, p.Gly2571= (NM_001042723.2).
Identifiers: ClinVar variation 657055 (VCV000657055.5), dbSNP rs1159750263, ClinGen allele CA507243750.